The following is an entry in ClinVar:

ClinVar aggregate classification (germline): not provided (0 of 4 stars; one submission).

Conditions:
Small for gestational age. Also called: Low birth weight. Identifiers: MedGen C0235991, HP:0001518.

Submission:

Institute of Molecular and Cell Biology, University of Tartu
No classification provided. Condition: Small for gestational age. Review status: no classification provided. Collection method: case-control. Allele origin: unknown. Affected: yes. Study: Kasak2014.
Comment: The study aimed to determine the contribution of copy number variants in the genetic etiology of normal and complicated pregnancies. The samples represented (i) maternal blood DNA drawn from healthy pregnant women during 1st or 2nd trimester and (ii) maternal and paternal blood DNA drawn at term pregnancy cases representing normal and complicated gestations (severe preeclampsia, PE; gestational diabetes, GD; small-for-gestational age newborn, SGA; large-for-gestational age newborn, LGA). We performed CNV calling based on genome-wide genotyping dataset (Illumina HumanOmniExpress-24-v1 BeadChip) by applying three algorithms, QuantiSNP, GADA (Genome Alteration Detection Algorithm) and CNstream in parallel. The acquired CNV calls were merged with HD-CNV (Hotspot Detector for Copy Number Variants) program and only the CNVs predicted by at least two programs, were considered in subsequent analysis.

Literature cited by the submitters: PubMed 25666259.

Single allele

Variant type: Deletion.
Identifiers: ClinVar variation 156806 (VCV000156806.2).